The following is an entry in ClinVar:

NM_015650.4(TRAF3IP1):c.683A>G (p.Asn228Ser)

Gene: TRAF3IP1 (TRAF3 interacting protein 1; plus strand). Cytogenetic location: 2q37.3.
Variant type: single nucleotide variant.
Coding change: c.683A>G on transcript NM_015650.4 (MANE Select); coding-DNA position 683, A replaced by G.
Protein change: p.Asn228Ser; replaces asparagine 228 with serine.
Molecular consequence: missense variant.
Genome position (GRCh38, 1-based): chr2:238,329,110, A>G. VCF-style: chr2-238329110-A-G. GRCh37 (hg19) VCF-style: chr2-239237751-A-G.
Other names: p.Asn228Ser; c.683A>G, p.Asn228Ser (NM_001139490.1); short protein forms N228S.
Identifiers: ClinVar variation 1167549 (VCV001167549.14), dbSNP rs3769110, ClinGen allele CA2198114.

ClinVar aggregate classification (germline): Benign. Review status: criteria provided, multiple submitters, no conflicts (2 of 4 stars). 5 submissions from 5 submitters: Benign (4). 1 of the submissions does not count toward it. Last evaluated 2026-02-03.

Conditions:
TRAF3IP1-related disorder. Also called: TRAF3IP1-related condition.

Allele frequency attached by ClinVar (database versions not stated): gnomAD 0.11693 and 0.11856; TOPMed 0.12010; 1000 Genomes Project 30x 0.15443; gnomAD exomes 0.08104 and 0.05348; ExAC 0.09815; 1000 Genomes Project 0.15315; ESP Exome Variant Server 0.10264.
gnomAD v4.1: 93,217 of 1,550,390 alleles (6%); highest among the groups gnomAD compares: African/African-American, 27%; 5,130 homozygotes.

Submissions (5):

Labcorp Genetics (formerly Invitae), Labcorp
Classification: Benign. Last evaluated: 2026-02-03. Review status: criteria provided, single submitter. Criteria: Invitae Variant Classification Sherloc (09022015). Collection method: clinical testing. Allele origin: germline.

Mayo Clinic Laboratories, Mayo Clinic
Classification: Benign. Last evaluated: 2022-03-09. Review status: criteria provided, single submitter. Criteria: ACMG Guidelines, 2015. Collection method: clinical testing. Allele origin: germline. Observed: 34 variant alleles.

GeneDx
Classification: Benign. Last evaluated: 2018-11-12. Review status: criteria provided, single submitter. Criteria: GeneDx Variant Classification Process June 2021. Collection method: clinical testing. Allele origin: germline. Affected: yes.

Breakthrough Genomics
Classification: Benign. Review status: criteria provided, single submitter. Criteria: ACMG Guidelines, 2015. Collection method: not provided. Allele origin: germline. Inheritance: Autosomal recessive inheritance. Affected: yes.

PreventionGenetics, part of Exact Sciences
Classification: Benign for TRAF3IP1-related condition. Last evaluated: 2019-10-21. Review status: no assertion criteria provided. Collection method: clinical testing. Allele origin: germline. Not counted in ClinVar's aggregate classification.
Comment: This variant is classified as benign based on ACMG/AMP sequence variant interpretation guidelines (Richards et al. 2015 PMID: 25741868, with internal and published modifications).